The following is an entry in ClinVar:

ClinVar aggregate classification (germline): Uncertain significance. Review status: criteria provided, multiple submitters, no conflicts (2 of 4 stars). 2 submissions from 2 submitters: Uncertain significance (2). Last evaluated 2026-08-23.

Conditions:
PCNT-related disorder. Also called: PCNT-related condition.
Inborn genetic diseases. Identifiers: MedGen C0950123, MeSH D030342.

gnomAD v4.1: 44 of 1,603,136 alleles (0.0027%); highest among the groups gnomAD compares: Middle Eastern, 0.034%; no homozygotes.

Submissions (2):

PreventionGenetics, part of Exact Sciences
Classification: Uncertain significance for PCNT-related condition. Last evaluated: 2026-08-23. Review status: criteria provided, single submitter. Criteria: ACMG Guidelines, 2015. Collection method: clinical testing. Allele origin: germline.
Comment: The PCNT c.6857C>T variant is predicted to result in the amino acid substitution p.Ala2286Val. To our knowledge, this variant has not been reported in the literature. This variant is reported in 0.013% of alleles in individuals of African descent in gnomAD. At this time, the clinical significance of this variant is uncertain due to the absence of conclusive functional and genetic evidence.

Ambry Genetics
Classification: Uncertain significance for Inborn genetic diseases. Last evaluated: 2025-08-22. Review status: criteria provided, single submitter. Criteria: Ambry Variant Classification Scheme 2023. Collection method: clinical testing. Allele origin: germline.

NM_006031.6(PCNT):c.6857C>T (p.Ala2286Val)

Gene: PCNT (pericentrin; plus strand). Cytogenetic location: 21q22.3.
Variant type: single nucleotide variant.
Coding change: c.6857C>T on transcript NM_006031.6 (MANE Select); coding-DNA position 6857, C replaced by T.
Protein change: p.Ala2286Val; replaces alanine 2286 with valine.
Molecular consequence: missense variant.
Genome position (GRCh38, 1-based): chr21:46,416,775, C>T. VCF-style: chr21-46416775-C-T. GRCh37 (hg19) VCF-style: chr21-47836689-C-T.
Other names: c.6503C>T, p.Ala2168Val (NM_001315529.2); short protein forms A2168V, A2286V.
Identifiers: ClinVar variation 4133325 (VCV004133325.2).